The following is an entry in ClinVar:

NM_000064.4(C3):c.683-1G>T

Gene: C3 (complement C3; minus strand). Cytogenetic location: 19p13.3.
Variant type: single nucleotide variant.
Coding change: c.683-1G>T on transcript NM_000064.4 (MANE Select); the canonical splice acceptor site of the intron before coding-DNA position 683, G replaced by T.
Molecular consequence: splice acceptor variant.
Genome position (GRCh38, 1-based): chr19:6,714,083, C>A on the plus strand (G>T on the coding strand, the complement: C3 is on the minus strand). VCF-style: chr19-6714083-C-A. GRCh37 (hg19) VCF-style: chr19-6714094-C-A.
Identifiers: ClinVar variation 4279900 (VCV004279900.1).

ClinVar aggregate classification (germline): Likely pathogenic (1 of 4 stars; one submission).

Conditions:
Complement component 3 deficiency. Identifiers: Orphanet 280133, MedGen C3151071, MONDO:0013417, OMIM 613779.
C3 glomerulonephritis. Also called: Nephropathy due to CFHR5 Deficiency; C3 GLOMERULOPATHY 3. Identifiers: Orphanet 329931, MedGen C4055342, MONDO:0013892, OMIM 614809.
Atypical hemolytic-uremic syndrome with C3 anomaly. Also called: AHUS, SUSCEPTIBILITY TO, 5. Identifiers: Orphanet 2134, MedGen C2752037, MONDO:0013043, OMIM 612925.

gnomAD v4.1: 3 of 1,612,550 alleles (0.00019%); highest among the groups gnomAD compares: African/African-American, 0.0013%; no homozygotes.

Submission:

Clinical Genomics Laboratory, Washington University in St. Louis
Classification: Likely pathogenic for Complement component 3 deficiency; C3 glomerulonephritis; Atypical hemolytic-uremic syndrome with C3 anomaly. Last evaluated: 2025-08-31. Review status: criteria provided, single submitter. Criteria: ACMG Guidelines, 2015. Collection method: clinical testing. Allele origin: germline. Affected: yes.
Comment: The C3 c.683-1G>T variant, to our knowledge, has not been reported in the medical literature. This variant is only observed in 3/1,612,550 alleles in the general population (gnomAD v.4.1.0), indicating it is not a common variant. This variant occurs within the canonical splice acceptor site, which is predicted to cause skipping of the exon, leading to an out of frame transcript. Based on available information and the ACMG/AMP guidelines for variant interpretation (Richards S et al., PMID: 25741868), this variant is classified as likely pathogenic.